The following is an entry in ClinVar:

ClinVar aggregate classification (germline): Conflicting classifications of pathogenicity. Review status: criteria provided, conflicting classifications (1 of 4 stars). 2 submissions from 2 submitters: Uncertain significance (1); Likely benign (1). Last evaluated 2024-05-06.

Conditions:
Agammaglobulinemia 6, autosomal recessive (AGM6). Also called: AGAMMAGLOBULINEMIA 6; AGAMMAGLOBULINEMIA, AUTOSOMAL RECESSIVE, DUE TO CD79B DEFECT. Identifiers: MedGen C3150207, MONDO:0012987, OMIM 612692.

Allele frequency attached by ClinVar (database versions not stated): gnomAD exomes below 0.00001; gnomAD 0.00002; TOPMed 0.00002.

Submissions (2):

Ambry Genetics
Classification: Likely benign. Last evaluated: 2024-05-06. Review status: criteria provided, single submitter. Criteria: Ambry Variant Classification Scheme 2023. Collection method: clinical testing. Allele origin: germline.

Labcorp Genetics (formerly Invitae), Labcorp
Classification: Uncertain significance for Agammaglobulinemia 6, autosomal recessive. Last evaluated: 2022-02-05. Review status: criteria provided, single submitter. Criteria: Invitae Variant Classification Sherloc (09022015). Collection method: clinical testing. Allele origin: germline.
Comment: This sequence change replaces serine, which is neutral and polar, with leucine, which is neutral and non-polar, at codon 130 of the CD79B protein (p.Ser130Leu). In summary, the available evidence is currently insufficient to determine the role of this variant in disease. Therefore, it has been classified as a Variant of Uncertain Significance. Algorithms developed to predict the effect of missense changes on protein structure and function output the following: SIFT: "Not Available"; PolyPhen-2: "Benign"; Align-GVGD: "Not Available". The leucine amino acid residue is found in multiple mammalian species, which suggests that this missense change does not adversely affect protein function. This variant has not been reported in the literature in individuals affected with CD79B-related conditions. The frequency data for this variant in the population databases is considered unreliable, as metrics indicate poor data quality at this position in the gnomAD database.

NM_000626.4(CD79B):c.389C>T (p.Ser130Leu)

Genes: CD79B (CD79b molecule; minus strand), GH-LCR (growth hormone locus control region; plus strand). Cytogenetic location: 17q23.3.
Variant type: single nucleotide variant.
Coding change: c.389C>T on transcript NM_000626.4 (MANE Select); coding-DNA position 389, C replaced by T.
Protein change: p.Ser130Leu; replaces serine 130 with leucine.
Molecular consequence: missense variant. On other transcripts: intron variant (2).
Genome position (GRCh38, 1-based): chr17:63,930,115, G>A on the plus strand (C>T on the coding strand, the complement: CD79B is on the minus strand). VCF-style: chr17-63930115-G-A. GRCh37 (hg19) VCF-style: chr17-62007475-G-A.
Other names: c.392C>T, p.Ser131Leu (NM_001039933.3); c.119-227C>T (NM_021602.4); c.122-227C>T (NM_001329050.2); c.389C>T (NM_000626.2); short protein forms S130L, S131L.
Identifiers: ClinVar variation 1504174 (VCV001504174.9), dbSNP rs1389559363, ClinGen allele CA400604516.